The following is an entry in ClinVar:

NM_080680.3(COL11A2):c.4529A>G (p.Lys1510Arg)

Gene: COL11A2 (collagen type XI alpha 2 chain; minus strand). Cytogenetic location: 6p21.32.
Variant type: single nucleotide variant.
Coding change: c.4529A>G on transcript NM_080680.3 (MANE Select); coding-DNA position 4529, A replaced by G.
Protein change: p.Lys1510Arg; replaces lysine 1510 with arginine.
Molecular consequence: missense variant.
Genome position (GRCh38, 1-based): chr6:33,165,770, T>C on the plus strand (A>G on the coding strand, the complement: COL11A2 is on the minus strand). VCF-style: chr6-33165770-T-C. GRCh37 (hg19) VCF-style: chr6-33133547-T-C.
Other names: c.4349A>G, p.Lys1450Arg (NM_001424108.1); c.3683A>G, p.Lys1228Arg (NM_001424109.1); c.3503A>G, p.Lys1168Arg (NM_001424110.1, NM_001424111.1); c.2483A>G, p.Lys828Arg (NM_001424112.1); c.4208A>G, p.Lys1403Arg (NM_080679.3); c.4271A>G, p.Lys1424Arg (NM_080681.3); short protein forms K1168R, K1228R, K1403R, K1424R, K1450R, K1510R, K828R.
Identifiers: ClinVar variation 3368548 (VCV003368548.1).
Genomic context (GRCh38, chr6:33,165,770, plus strand): 5'-GTCGGTATGGCCTCATCTTCCTGCATCAGACGGCTTCCATCCACCGAGCGCCGAGTCTTC[T>C]TGGGCATCTGAATGGGCAGTGGCTGGATCACCTCGCCTGGGGGACCCTGGGTGCAGGGAC-3'
Protein context (NP_542411.2, residues 1500-1520): VIQPLPIQMP[Lys1510Arg]KTRRSVDGSR

ClinVar aggregate classification (germline): Uncertain significance (1 of 4 stars; one submission).

gnomAD v4.1: 1 of 1,613,210 alleles (0.000062%); highest among the groups gnomAD compares: South Asian, 0.0011%; no homozygotes.

Submission:

GeneDx
Classification: Uncertain significance. Last evaluated: 2024-02-05. Review status: criteria provided, single submitter. Criteria: GeneDx Variant Classification Process June 2021. Collection method: clinical testing. Allele origin: germline. Affected: yes.
Comment: Not observed at significant frequency in large population cohorts (gnomAD); In silico analysis supports that this missense variant does not alter protein structure/function; Has not been previously published as pathogenic or benign to our knowledge